The following is an entry in ClinVar:

ClinVar aggregate classification (germline): Uncertain significance (1 of 4 stars; one submission).

Conditions:
Neuropathy, hereditary sensory and autonomic, type 2A (HSAN2A). Also called: HSAN IIA; WNK1-Related HSAN2 (HSAN2A); ACROOSTEOLYSIS, GIACCAI TYPE; ACROOSTEOLYSIS, NEUROGENIC; MORVAN DISEASE; NEUROPATHY, CONGENITAL SENSORY. Identifiers: Orphanet 970, MedGen C2752089, MONDO:0024309, OMIM 201300.
Pseudohypoaldosteronism type 2C (PHA2C). Also called: Pseudohypoaldosteronism Type IIC. Identifiers: Orphanet 757, Orphanet 88940, MedGen C1840391, MONDO:0013778, OMIM 614492.

Allele frequency attached by ClinVar (database versions not stated): ExAC 0.00001.
gnomAD v4.1: 14 of 1,614,200 alleles (0.00087%); highest among the groups gnomAD compares: South Asian, 0.015%; no homozygotes.

Submission:

Labcorp Genetics (formerly Invitae), Labcorp
Classification: Uncertain significance for Neuropathy, hereditary sensory and autonomic, type 2A; Pseudohypoaldosteronism type 2C. Last evaluated: 2022-04-28. Review status: criteria provided, single submitter. Criteria: Invitae Variant Classification Sherloc (09022015). Collection method: clinical testing. Allele origin: germline.
Comment: This sequence change replaces proline, which is neutral and non-polar, with serine, which is neutral and polar, at codon 1653 of the WNK1 protein (p.Pro1653Ser). In summary, the available evidence is currently insufficient to determine the role of this variant in disease. Therefore, it has been classified as a Variant of Uncertain Significance. Advanced modeling of protein sequence and biophysical properties (such as structural, functional, and spatial information, amino acid conservation, physicochemical variation, residue mobility, and thermodynamic stability) performed at Invitae indicates that this missense variant is not expected to disrupt WNK1 protein function. This variant has not been reported in the literature in individuals affected with WNK1-related conditions. This variant is present in population databases (rs774176953, gnomAD 0.006%).

NM_018979.4(WNK1):c.4201C>T (p.Pro1401Ser)

Gene: WNK1 (WNK lysine deficient protein kinase 1; plus strand). Cytogenetic location: 12p13.33.
Variant type: single nucleotide variant.
Coding change: c.4201C>T on transcript NM_018979.4 (MANE Select); coding-DNA position 4201, C replaced by T.
Protein change: p.Pro1401Ser; replaces proline 1401 with serine.
Molecular consequence: missense variant.
Genome position (GRCh38, 1-based): chr12:885,005, C>T. VCF-style: chr12-885005-C-T. GRCh37 (hg19) VCF-style: chr12-994171-C-T.
Other names: c.4981C>T, p.Pro1661Ser (NM_001184985.2); c.3460C>T, p.Pro1154Ser (NM_014823.3); c.4957C>T, p.Pro1653Ser (NM_213655.5); short protein forms P1401S, P1661S, P1154S, P1653S.
Identifiers: ClinVar variation 1948241 (VCV001948241.5), dbSNP rs774176953, ClinGen allele CA6382934.